The following is an entry in ClinVar:

NM_001385079.1(PDE10A):c.1590C>G (p.Leu530=)

Gene: PDE10A (phosphodiesterase 10A; minus strand). Cytogenetic location: 6q27.
Variant type: single nucleotide variant.
Coding change: c.1590C>G on transcript NM_001385079.1 (MANE Select); coding-DNA position 1590, C replaced by G.
Protein change: p.Leu530=; no amino-acid change (leucine 530 retained).
Molecular consequence: synonymous variant.
Genome position (GRCh38, 1-based): chr6:165,430,298, G>C on the plus strand (C>G on the coding strand, the complement: PDE10A is on the minus strand). VCF-style: chr6-165430298-G-C. GRCh37 (hg19) VCF-style: chr6-165843786-G-C.
Other names: p.Leu264=; c.792C>G, p.Leu264= (NM_001130690.3); c.762C>G, p.Leu254= (NM_006661.4).
Identifiers: ClinVar variation 738154 (VCV000738154.15), dbSNP rs141863025, ClinGen allele CA4092343.

ClinVar aggregate classification (germline): Benign/Likely benign. Review status: criteria provided, multiple submitters, no conflicts (2 of 4 stars). 4 submissions from 4 submitters: Benign (1); Likely benign (3). Last evaluated 2026-06-09.

Conditions:
PDE10A-related disorder. Also called: PDE10A-related condition.

Allele frequency attached by ClinVar (database versions not stated): 1000 Genomes Project 0.00040; 1000 Genomes Project 30x 0.00047; ESP Exome Variant Server 0.00077; TOPMed 0.00092.
gnomAD v4.1: 347 of 1,606,918 alleles (0.022%); highest among the groups gnomAD compares: African/African-American, 0.27%; no homozygotes.

Submissions (4):

PreventionGenetics, part of Exact Sciences
Classification: Likely benign for PDE10A-related condition. Last evaluated: 2026-06-09. Review status: criteria provided, single submitter. Criteria: ACMG Guidelines, 2015. Collection method: clinical testing. Allele origin: germline.
Comment: This variant is classified as likely benign based on ACMG/AMP sequence variant interpretation guidelines (Richards et al. 2015 PMID: 25741868, with internal and published modifications).

CeGaT Center for Human Genetics Tuebingen
Classification: Likely benign. Last evaluated: 2026-03-01. Review status: criteria provided, single submitter. Criteria: CeGaT Center For Human Genetics Tuebingen Variant Classification Criteria Version 2. Collection method: clinical testing. Allele origin: germline. Affected: yes. Observed: 1 variant allele.
Comment: PDE10A: BP4, BP7

Labcorp Genetics (formerly Invitae), Labcorp
Classification: Benign. Last evaluated: 2025-10-06. Review status: criteria provided, single submitter. Criteria: Invitae Variant Classification Sherloc (09022015). Collection method: clinical testing. Allele origin: germline.

Mayo Clinic Laboratories, Mayo Clinic
Classification: Likely benign. Last evaluated: 2025-05-22. Review status: criteria provided, single submitter. Criteria: ACMG Guidelines, 2015. Collection method: clinical testing. Allele origin: germline. Observed: 1 variant allele.
Comment: BS1, BP4, BP7